The following is an entry in ClinVar:

ClinVar aggregate classification (germline): Likely benign (1 of 4 stars; one submission).

Conditions:
LEPR-related disorder. Also called: LEPR-related disorders; LEPR-related condition.

gnomAD v4.1: 2 of 1,612,726 alleles (0.00012%); highest among the groups gnomAD compares: Non-Finnish European, 0.00017%; no homozygotes.

Submission:

PreventionGenetics, part of Exact Sciences
Classification: Likely benign for LEPR-related condition. Last evaluated: 2026-01-05. Review status: criteria provided, single submitter. Criteria: ACMG Guidelines, 2015. Collection method: clinical testing. Allele origin: germline.
Comment: This variant is classified as likely benign based on ACMG/AMP sequence variant interpretation guidelines (Richards et al. 2015 PMID: 25741868, with internal and published modifications).

NM_002303.6(LEPR):c.2581T>C (p.Leu861=)

Gene: LEPR (leptin receptor; plus strand). Cytogenetic location: 1p31.3.
Variant type: single nucleotide variant.
Coding change: c.2581T>C on transcript NM_002303.6 (MANE Select); coding-DNA position 2581, T replaced by C.
Protein change: p.Leu861=; no amino-acid change (leucine 861 retained).
Molecular consequence: synonymous variant.
Genome position (GRCh38, 1-based): chr1:65,621,442, T>C. VCF-style: chr1-65621442-T-C. GRCh37 (hg19) VCF-style: chr1-66087125-T-C.
Other names: c.2581T>C, p.Leu861= (NM_001003679.3, NM_001003680.3, NM_001198687.2 and 2 more transcripts).
Identifiers: ClinVar variation 4985543 (VCV004985543.1).
Genomic context (GRCh38, chr1:65,621,442, plus strand): 5'-GGTTTATATGTAATTGTGCCAGTAATTATTTCCTCTTCCATCTTATTGCTTGGAACATTA[T>C]TAATATCACACCAAAGGTATTGTACTTGAGGTTAAGAATCTTTACGGCAAAAGTCCTTAC-3'
Protein context (NP_002294.2, residues 851-871): SSSILLLGTL[Leu861=]ISHQRMKKLF